The following is an entry in ClinVar:

NM_001039141.3(TRIOBP):c.3770C>T (p.Pro1257Leu)

Gene: TRIOBP (TRIO and F-actin binding protein; plus strand). Cytogenetic location: 22q13.1.
Variant type: single nucleotide variant.
Coding change: c.3770C>T on transcript NM_001039141.3 (MANE Select); coding-DNA position 3770, C replaced by T.
Protein change: p.Pro1257Leu; replaces proline 1257 with leucine.
Molecular consequence: missense variant.
Genome position (GRCh38, 1-based): chr22:37,726,326, C>T. VCF-style: chr22-37726326-C-T. GRCh37 (hg19) VCF-style: chr22-38122333-C-T.
Other names: short protein forms P1257L.
Identifiers: ClinVar variation 3343175 (VCV003343175.1).
Genomic context (GRCh38, chr22:37,726,326, plus strand): 5'-TAGCGTTCCTGGCACCCTCACCTTCACCGGGCAGCTCTGGGGGCTCCCGGGGCTCAGCGC[C>T]TCCCGGGGAGACCAGGCACAACTTGGAGCGGGAGGAGTACACTGTGCTGGCCGACCTGCC-3'
Protein context (NP_001034230.1, residues 1247-1267): GSSGGSRGSA[Pro1257Leu]PGETRHNLER

ClinVar aggregate classification (germline): Uncertain significance (1 of 4 stars; one submission).

Submission:

GeneDx
Classification: Uncertain significance. Last evaluated: 2023-05-03. Review status: criteria provided, single submitter. Criteria: GeneDx Variant Classification Process June 2021. Collection method: clinical testing. Allele origin: germline. Affected: yes.
Comment: Not observed at significant frequency in large population cohorts (gnomAD); In silico analysis supports that this missense variant has a deleterious effect on protein structure/function; Has not been previously published as pathogenic or benign to our knowledge